The following is an entry in ClinVar:

ClinVar aggregate classification (germline): Uncertain significance (1 of 4 stars; one submission).

Conditions:
Galactosylceramide beta-galactosidase deficiency. Also called: Leukodystrophy, Globoid Cell; Krabbe Disease; GALACTOCEREBROSIDASE DEFICIENCY; GALC DEFICIENCY; GLOBOID CELL LEUKOENCEPHALOPATHY. Identifiers: Orphanet 487, MedGen C0023521, MONDO:0009499, OMIM 245200.

Submission:

Labcorp Genetics (formerly Invitae), Labcorp
Classification: Uncertain significance for Galactosylceramide beta-galactosidase deficiency. Last evaluated: 2024-06-17. Review status: criteria provided, single submitter. Criteria: Invitae Variant Classification Sherloc (09022015). Collection method: clinical testing. Allele origin: germline.
Comment: This sequence change replaces proline, which is neutral and non-polar, with serine, which is neutral and polar, at codon 30 of the GALC protein (p.Pro30Ser). This variant is present in population databases (no rsID available, gnomAD 0.01%). This variant has not been reported in the literature in individuals affected with GALC-related conditions. Advanced modeling of protein sequence and biophysical properties (such as structural, functional, and spatial information, amino acid conservation, physicochemical variation, residue mobility, and thermodynamic stability) performed at Invitae indicates that this missense variant is not expected to disrupt GALC protein function with a negative predictive value of 95%. In summary, the available evidence is currently insufficient to determine the role of this variant in disease. Therefore, it has been classified as a Variant of Uncertain Significance.

NM_000153.4(GALC):c.88C>T (p.Pro30Ser)

Gene: GALC (galactosylceramidase; minus strand). Cytogenetic location: 14q31.3.
Variant type: single nucleotide variant.
Coding change: c.88C>T on transcript NM_000153.4 (MANE Select); coding-DNA position 88, C replaced by T.
Protein change: p.Pro30Ser; replaces proline 30 with serine.
Molecular consequence: missense variant. On other transcripts: 5 prime UTR variant (3), non-coding transcript variant (1), intron variant (2).
Genome position (GRCh38, 1-based): chr14:87,993,077, G>A on the plus strand (C>T on the coding strand, the complement: GALC is on the minus strand). VCF-style: chr14-87993077-G-A. GRCh37 (hg19) VCF-style: chr14-88459421-G-A.
Other names: c.88C>T, p.Pro30Ser (NM_001201401.2); c.-183C>T (NM_001424072.1); c.-349C>T (NM_001424075.1); c.-580C>T (NM_001424077.1); c.-473+306C>T (NM_001424076.1); c.117+306C>T (NM_001201402.2); short protein forms P30S.
Identifiers: ClinVar variation 3632087 (VCV003632087.2).